The following is an entry in ClinVar:

NM_001267550.2(TTN):c.29253C>T (p.Gly9751=)

Gene: TTN (titin; minus strand). Cytogenetic location: 2q31.2.
Variant type: single nucleotide variant.
Coding change: c.29253C>T on transcript NM_001267550.2 (MANE Select); coding-DNA position 29253, C replaced by T.
Protein change: p.Gly9751=; no amino-acid change (glycine 9751 retained).
Molecular consequence: synonymous variant. On other transcripts: intron variant (3).
Genome position (GRCh38, 1-based): chr2:178,706,621, G>A on the plus strand (C>T on the coding strand, the complement: TTN is on the minus strand). VCF-style: chr2-178706621-G-A. GRCh37 (hg19) VCF-style: chr2-179571348-G-A.
Other names: c.28302C>T, p.Gly9434= (NM_001256850.1); c.25521C>T, p.Gly8507= (NM_133378.4); c.13282+31461C>T (NM_003319.4); c.13858+31461C>T (NM_133437.4); c.13657+31461C>T (NM_133432.3).
Identifiers: ClinVar variation 284442 (VCV000284442.10), dbSNP rs771825568, ClinGen allele CA1999417.

ClinVar aggregate classification (germline): Uncertain significance. Review status: criteria provided, multiple submitters, no conflicts (2 of 4 stars). 4 submissions from 4 submitters: Uncertain significance (4). Last evaluated 2025-11-13.

Conditions:
Dilated cardiomyopathy 1G (CMD1G). Identifiers: Orphanet 154, MedGen C1858763, MONDO:0011400, OMIM 604145.
Hypertrophic cardiomyopathy 9. Also called: Familial hypertrophic cardiomyopathy 9. Identifiers: MedGen C1861065, MONDO:0013412, OMIM 613765.
TTN-related disorder. Also called: TTN-related condition; TTN-related disease; TTN-related disorders.

Allele frequency attached by ClinVar (database versions not stated): TOPMed 0.00001; ExAC 0.00002; gnomAD 0.00003.
gnomAD v4.1: 54 of 1,613,690 alleles (0.0033%); highest among the groups gnomAD compares: South Asian, 0.0055%; no homozygotes.

Submissions (4):

PreventionGenetics, part of Exact Sciences
Classification: Uncertain significance for TTN-related condition. Last evaluated: 2025-11-13. Review status: criteria provided, single submitter. Criteria: ACMG Guidelines, 2015. Collection method: clinical testing. Allele origin: germline.
Comment: The TTN c.29253C>T variant is not predicted to result in an amino acid change (p.=). To our knowledge, this variant has not been reported in the literature. This variant is predicted to alter splicing based on available splicing prediction programs (SpliceAI, Jaganathan et al. 2019. PubMed ID: 30661751). However, the use of computer prediction programs is not equivalent to functional evidence. This variant is reported in 0.0033% of alleles in individuals of South Asian descent in gnomAD. At this time, the clinical significance of this variant is uncertain due to the absence of conclusive functional and genetic evidence.

Revvity Omics, Revvity
Classification: Uncertain significance. Last evaluated: 2025-05-08. Review status: criteria provided, single submitter. Criteria: ACMG Guidelines, 2015. Collection method: clinical testing. Allele origin: germline.

Clinical Genomics Laboratory, Washington University in St. Louis
Classification: Uncertain significance for Hypertrophic cardiomyopathy 9; Dilated cardiomyopathy 1G. Last evaluated: 2024-12-23. Review status: criteria provided, single submitter. Criteria: ACMG Guidelines, 2015. Collection method: clinical testing. Allele origin: germline.
Comment: The TTN c.29253C>T (p.Gly9751=) variant, to our knowledge, has not been reported in the medical literature. This variant is only observed on 4/280,614 alleles in the general population (gnomAD v.2.1.1), indicating it is not a common variant. Computational predictors indicate that this variant would alter splicing, evidence that correlates with an impact of this variant on TTN function. This variant has been reported in the ClinVar database as a germline variant of uncertain significance by two submitters. Due to limited information, and based on ACMG/AMP guidelines for variant interpretation (Richards S et al., PMID: 25741868), the clinical significance of this variant is uncertain at this time.

Eurofins Ntd Llc (ga)
Classification: Uncertain significance. Last evaluated: 2016-09-22. Review status: criteria provided, single submitter. Criteria: EGL Classification Definitions 2015. Collection method: clinical testing. Allele origin: germline. Observed: 3 variant alleles, 3 heterozygotes.